The following is an entry in ClinVar:

ClinVar aggregate classification (germline): Uncertain significance (1 of 4 stars; one submission).

Allele frequency attached by ClinVar (database versions not stated): gnomAD exomes below 0.00001; TOPMed below 0.00001; ExAC 0.00001; 1000 Genomes Project 30x 0.00016; 1000 Genomes Project 0.00020.
gnomAD v4.1: 4 of 1,614,080 alleles (0.00025%); highest among the groups gnomAD compares: Non-Finnish European, 0.00034%; no homozygotes.

Submission:

Women's Health and Genetics/Laboratory Corporation of America, LabCorp
Classification: Uncertain significance. Last evaluated: 2021-01-07. Review status: criteria provided, single submitter. Criteria: LabCorp Variant Classification Summary - May 2015. Collection method: clinical testing. Allele origin: germline.
Comment: Variant summary: JUP c.905G>A (p.Ser302Asn) results in a conservative amino acid change located in the Armadillo repeat (IPR000225) of the encoded protein sequence. Four of five in-silico tools predict a damaging effect of the variant on protein function. The variant allele was found at a frequency of 4e-06 in 251242 control chromosomes. The available data on variant occurrences in the general population are insufficient to allow any conclusion about variant significance. To our knowledge, no occurrence of c.905G>A in individuals affected with Arrhythmogenic Right Ventricular Dysplasia/Cardiomyopathy and no experimental evidence demonstrating its impact on protein function have been reported. No clinical diagnostic laboratories have submitted clinical-significance assessments for this variant to ClinVar after 2014. Based on the evidence outlined above, the variant was classified as uncertain significance.

NM_002230.4(JUP):c.905G>A (p.Ser302Asn)

Gene: JUP (junction plakoglobin; minus strand). Cytogenetic location: 17q21.2.
Variant type: single nucleotide variant.
Coding change: c.905G>A on transcript NM_002230.4 (MANE Select); coding-DNA position 905, G replaced by A.
Protein change: p.Ser302Asn; replaces serine 302 with asparagine.
Molecular consequence: missense variant.
Genome position (GRCh38, 1-based): chr17:41,767,383, C>T on the plus strand (G>A on the coding strand, the complement: JUP is on the minus strand). VCF-style: chr17-41767383-C-T. GRCh37 (hg19) VCF-style: chr17-39923635-C-T.
Other names: c.905G>A, p.Ser302Asn (NM_001352773.2, NM_001352774.2, NM_001352775.2 and 3 more transcripts); short protein forms S302N.
Identifiers: ClinVar variation 996289 (VCV000996289.1), dbSNP rs570714124, ClinGen allele CA8565363.
Genomic context (GRCh38, chr17:41,767,383, plus strand): 5'-ATAGAAGATGGCGCAAGGGTGGGCTTCAGGCCTCGGGAGAGTTGGGGAGGGCCCACCTTG[C>T]TCTCCTGGTTGCCGTAGGCCAGGAGCTGCAGGCAGTCGGTGGTGATGGCCAGGAACTTGG-3'
Protein context (NP_002221.1, residues 292-312): LQLLAYGNQE[Ser302Asn]KLIILANGGP